The following is an entry in ClinVar:

ClinVar aggregate classification (germline): Uncertain significance (1 of 4 stars; one submission).

Submission:

Labcorp Genetics (formerly Invitae), Labcorp
Classification: Uncertain significance. Last evaluated: 2025-10-01. Review status: criteria provided, single submitter. Criteria: Invitae Variant Classification Sherloc (09022015). Collection method: clinical testing. Allele origin: germline.
Comment: This sequence change replaces glycine, which is neutral and non-polar, with arginine, which is basic and polar, at codon 574 of the LZTS1 protein (p.Gly574Arg). This variant is present in population databases (no rsID available, gnomAD 0.002%). This variant has not been reported in the literature in individuals affected with LZTS1-related conditions. ClinVar contains an entry for this variant (Variation ID: 3609985). Invitae Evidence Modeling of protein sequence and biophysical properties (such as structural, functional, and spatial information, amino acid conservation, physicochemical variation, residue mobility, and thermodynamic stability) indicates that this missense variant is not expected to disrupt LZTS1 protein function with a negative predictive value of 80%. In summary, the available evidence is currently insufficient to determine the role of this variant in disease. Therefore, it has been classified as a Variant of Uncertain Significance.

NM_021020.5(LZTS1):c.1720G>A (p.Gly574Arg)

Gene: LZTS1 (leucine zipper tumor suppressor 1; minus strand). Cytogenetic location: 8p21.3.
Variant type: single nucleotide variant.
Coding change: c.1720G>A on transcript NM_021020.5 (MANE Select); coding-DNA position 1720, G replaced by A.
Protein change: p.Gly574Arg; replaces glycine 574 with arginine.
Molecular consequence: missense variant.
Genome position (GRCh38, 1-based): chr8:20,249,793, C>T on the plus strand (G>A on the coding strand, the complement: LZTS1 is on the minus strand). VCF-style: chr8-20249793-C-T. GRCh37 (hg19) VCF-style: chr8-20107304-C-T.
Other names: c.1720G>A, p.Gly574Arg (NM_001362884.2); short protein forms G574R.
Identifiers: ClinVar variation 3609985 (VCV003609985.2).